The following is an entry in ClinVar:

ClinVar aggregate classification (germline): Uncertain significance (1 of 4 stars; one submission).

Submission:

CeGaT Center for Human Genetics Tuebingen
Classification: Uncertain significance. Last evaluated: 2024-05-01. Review status: criteria provided, single submitter. Criteria: CeGaT Center For Human Genetics Tuebingen Variant Classification Criteria Version 2. Collection method: clinical testing. Allele origin: germline. Affected: yes. Observed: 1 variant allele.
Comment: ATP7A: PM2, PP3

NM_000052.7(ATP7A):c.1142T>A (p.Ile381Lys)

Gene: ATP7A (ATPase copper transporting alpha; plus strand). Cytogenetic location: Xq21.1.
Variant type: single nucleotide variant.
Coding change: c.1142T>A on transcript NM_000052.7 (MANE Select); coding-DNA position 1142, T replaced by A.
Protein change: p.Ile381Lys; replaces isoleucine 381 with lysine.
Molecular consequence: missense variant.
Genome position (GRCh38, 1-based): chrX:77,989,764, T>A. VCF-style: chrX-77989764-T-A. GRCh37 (hg19) VCF-style: chrX-77245260-T-A.
Other names: c.1142T>A, p.Ile381Lys (NM_001282224.2); short protein forms I381K.
Identifiers: ClinVar variation 3239553 (VCV003239553.19), dbSNP rs1057522517.